The following is an entry in ClinVar:

ClinVar aggregate classification (germline): Uncertain significance. Review status: criteria provided, multiple submitters, no conflicts (2 of 4 stars). 6 submissions from 6 submitters: Uncertain significance (6). Last evaluated 2026-07-30.

Conditions:
Familial melanoma. Also called: Hereditary melanoma; Hereditary cutaneous melanoma. Identifiers: Orphanet 618, MedGen C1512419, MONDO:0018961.
CDKN2A-related disorder. Also called: CDKN2A-related condition.
Hereditary cancer-predisposing syndrome. Also called: Tumor predisposition; Hereditary neoplastic syndrome; Neoplastic Syndromes, Hereditary; Hereditary Cancer Syndrome. Identifiers: Orphanet 140162, MedGen C0027672, MeSH D009386, MONDO:0015356.
Melanoma and neural system tumor syndrome. Also called: MELANOMA-ASTROCYTOMA SYNDROME. Identifiers: Orphanet 252206, MedGen C1835042, MONDO:0007967, OMIM 155755.

Allele frequency attached by ClinVar (database versions not stated): TOPMed below 0.00001.

Submissions (6):

PreventionGenetics, part of Exact Sciences
Classification: Uncertain significance for CDKN2A-related condition. Last evaluated: 2026-07-30. Review status: criteria provided, single submitter. Criteria: ACMG Guidelines, 2015. Collection method: clinical testing. Allele origin: germline.
Comment: The CDKN2A c.15C>G variant is predicted to result in the amino acid substitution p.Phe5Leu. To our knowledge this variant, which is also known as c.15C>G (p.Phe5Leu) on the CDKN2A (p14ARF) protein (NM_058195.4), has not been reported in the literature or in a large population database (gnomAD), indicating it is rare. It is classified as uncertain in ClinVar (Variation ID: 666001). At this time, the clinical significance of this variant is uncertain due to the absence of conclusive functional and genetic evidence.

GeneDx
Classification: Uncertain significance. Last evaluated: 2025-03-10. Review status: criteria provided, single submitter. Criteria: GeneDx Variant Classification Process June 2021. Collection method: clinical testing. Allele origin: germline. Affected: yes.
Comment: Not observed at significant frequency in large population cohorts (gnomAD); Has not been previously published as pathogenic or benign to our knowledge; Reported using an alternate transcript of the gene; This variant is associated with the following publications: (PMID: 9653180, 16173922, 9529249)

Ambry Genetics
Classification: Uncertain significance for Hereditary cancer-predisposing syndrome. Last evaluated: 2024-07-23. Review status: criteria provided, single submitter. Criteria: Ambry Variant Classification Scheme 2023. Collection method: clinical testing. Allele origin: germline.
Comment: The p.F5L variant (also known as c.15C>G), located in coding exon 1 of the CDKN2A gene, results from a C to G substitution at nucleotide position 15. The phenylalanine at codon 5 is replaced by leucine, an amino acid with highly similar properties. This amino acid position is well conserved in available vertebrate species. In addition, this alteration is predicted to be tolerated by in silico analysis. Based on the available evidence, the clinical significance of this variant remains unclear.

Baylor Genetics
Classification: Uncertain significance for Melanoma and neural system tumor syndrome. Last evaluated: 2023-12-20. Review status: criteria provided, single submitter. Criteria: ACMG Guidelines, 2015. Collection method: clinical testing. Allele origin: unknown.

Sema4
Classification: Uncertain significance for Hereditary cancer-predisposing syndrome. Last evaluated: 2022-01-25. Review status: criteria provided, single submitter. Criteria: Sema4 Curation Guidelines. Collection method: curation. Allele origin: germline.
Comment: The CDKN2A c.15C>G (p.F5L) variant has not been reported in the literature to our knowledge. It was not observed in the large and broad cohorts of the Genome Aggregation Database (PMID: 32461654). The variant has been reported in ClinVar (Variation ID: 666001). Functional studies have not been performed, and in silico predictions of the variant's effect on protein function are inconclusive. The evidence is insufficient to meet ACMG/AMP criteria for classifying the variant as benign or pathogenic. Thus, the clinical significance of this variant is currently uncertain.

Labcorp Genetics (formerly Invitae), Labcorp
Classification: Uncertain significance for Familial melanoma. Last evaluated: 2021-10-12. Review status: criteria provided, single submitter. Criteria: Invitae Variant Classification Sherloc (09022015). Collection method: clinical testing. Allele origin: germline.
Comment: This sequence change replaces phenylalanine with leucine at codon 5 of the CDKN2A (p14ARF) protein (p.Phe5Leu). The phenylalanine residue is moderately conserved and there is a small physicochemical difference between phenylalanine and leucine. This variant is not present in population databases (ExAC no frequency). This variant has not been reported in the literature in individuals affected with CDKN2A (p14ARF)-related conditions. Algorithms developed to predict the effect of missense changes on protein structure and function output the following: SIFT: "Tolerated"; PolyPhen-2: "Possibly Damaging"; Align-GVGD: "Class C0". The leucine amino acid residue is found in multiple mammalian species, which suggests that this missense change does not adversely affect protein function. In summary, the available evidence is currently insufficient to determine the role of this variant in disease. Therefore, it has been classified as a Variant of Uncertain Significance.

NM_058195.4(CDKN2A):c.15C>G (p.Phe5Leu)

Gene: CDKN2A (cyclin dependent kinase inhibitor 2A; minus strand). Cytogenetic location: 9p21.3.
Variant type: single nucleotide variant.
Coding change: c.15C>G on transcript NM_058195.4 (MANE Plus Clinical); coding-DNA position 15, C replaced by G.
Protein change: p.Phe5Leu; replaces phenylalanine 5 with leucine.
Molecular consequence: missense variant. On other transcripts: intron variant (1).
Genome position (GRCh38, 1-based): chr9:21,994,317, G>C on the plus strand (C>G on the coding strand, the complement: CDKN2A is on the minus strand). VCF-style: chr9-21994317-G-C. GRCh37 (hg19) VCF-style: chr9-21994316-G-C.
Other names: c.-4+504C>G (NM_001363763.2); short protein forms F5L.
Identifiers: ClinVar variation 666001 (VCV000666001.11), dbSNP rs1587358694, ClinGen allele CA373087109.